The following is an entry in ClinVar:

NM_025114.4(CEP290):c.1606C>T (p.Gln536Ter)

Gene: CEP290 (centrosomal protein 290; minus strand). Cytogenetic location: 12q21.32.
Variant type: single nucleotide variant.
Coding change: c.1606C>T on transcript NM_025114.4 (MANE Select); coding-DNA position 1606, C replaced by T.
Protein change: p.Gln536Ter; replaces glutamine 536 with a stop codon.
Molecular consequence: nonsense.
Genome position (GRCh38, 1-based): chr12:88,118,660, G>A on the plus strand (C>T on the coding strand, the complement: CEP290 is on the minus strand). VCF-style: chr12-88118660-G-A. GRCh37 (hg19) VCF-style: chr12-88512437-G-A.
Other names: short protein forms Q536*.
Identifiers: ClinVar variation 635030 (VCV000635030.11), dbSNP rs1465414886, ClinGen allele CA385979179.

ClinVar aggregate classification (germline): Pathogenic/Likely pathogenic. Review status: criteria provided, multiple submitters, no conflicts (2 of 4 stars). 3 submissions from 3 submitters: Pathogenic (2); Likely pathogenic (1). Last evaluated 2025-07-26.

Conditions:
CEP290-related ciliopathy. Also called: CEP290 ciliopathy. Identifiers: MedGen CN305601, MONDO:0100451.
Meckel-Gruber syndrome. Also called: DYSENCEPHALIA SPLANCHNOCYSTICA; GRUBER SYNDROME; Dysencephalia splachnocystica. Identifiers: Orphanet 564, MedGen C0265215, MONDO:0018921.
Joubert syndrome. Also called: JOUBERT-BOLTSHAUSER SYNDROME; Familial aplasia of the vermis. Identifiers: Orphanet 475, MedGen C5979921, MONDO:0018772.
Nephronophthisis. Also called: Juvenile Nephronophthisis. Identifiers: Orphanet 655, MedGen C0687120, MONDO:0019005, HP:0000090.
Joubert syndrome 5 (JBTS5). Identifiers: Orphanet 2318, MedGen C1857780, MONDO:0012432, OMIM 610188.

gnomAD v4.1: 1 of 1,613,050 alleles (0.000062%); no homozygotes.

Submissions (3):

Myriad Genetics, Inc.
Classification: Pathogenic for CEP290-related ciliopathy. Last evaluated: 2025-07-26. Review status: criteria provided, single submitter. Criteria: Myriad Autosomal Dominant, Autosomal Recessive and X-Linked Classification Criteria (2023). Collection method: clinical testing. Allele origin: unknown.
Comment: NM_025114.3(CEP290):c.1606C>T(Q536*) is expected to be pathogenic in the context of CEP290-related disorders. This variant is predicted to lead to an abnormal or absent protein product due to the creation of a premature termination codon in CEP290, a gene where loss-of-function variants are known to be pathogenic. Please note: this variant was assessed in the context of healthy population screening.

Labcorp Genetics (formerly Invitae), Labcorp
Classification: Pathogenic for Joubert syndrome; Meckel-Gruber syndrome; Nephronophthisis. Last evaluated: 2020-10-01. Review status: criteria provided, single submitter. Criteria: Invitae Variant Classification Sherloc (09022015). Collection method: clinical testing. Allele origin: germline.
Comment: This sequence change creates a premature translational stop signal (p.Gln536*) in the CEP290 gene. It is expected to result in an absent or disrupted protein product. This variant has been observed in individual(s) with clinical features of Joubert syndrome (PMID: 23559409). ClinVar contains an entry for this variant (Variation ID: 635030). This variant is not present in population databases (ExAC no frequency). For these reasons, this variant has been classified as Pathogenic. Loss-of-function variants in CEP290 are known to be pathogenic (PMID: 16909394, 17345604, 20690115, 25377065, 28559085).

Broad Center for Mendelian Genomics, Broad Institute of MIT and Harvard
Classification: Likely pathogenic for Joubert syndrome 5. Last evaluated: 2018-06-15. Review status: criteria provided, single submitter. Criteria: ACMG Guidelines, 2015. Collection method: research. Allele origin: germline. Inheritance: Autosomal recessive inheritance. Affected: yes.
Comment: This variant was absent from large population studies. Loss of function of the CEP290 gene is an established disease mechanism in autosomal recessive Joubert syndrome, and this is a loss of function variant. In summary, although additional studies are required to fully establish its pathogenicity, this variant is likely pathogenic.

Literature cited by the submitters: PubMed 23559409 (cited by Labcorp Genetics (formerly Invitae), Labcorp); PubMed 16909394 (cited by Labcorp Genetics (formerly Invitae), Labcorp); PubMed 17345604 (cited by Labcorp Genetics (formerly Invitae), Labcorp); PubMed 20690115 (cited by Labcorp Genetics (formerly Invitae), Labcorp); PubMed 25377065 (cited by Labcorp Genetics (formerly Invitae), Labcorp); PubMed 28559085 (cited by Labcorp Genetics (formerly Invitae), Labcorp).